The following is an entry in ClinVar:

ClinVar aggregate classification (germline): Uncertain significance (1 of 4 stars; one submission).

Allele frequency attached by ClinVar (database versions not stated): gnomAD exomes below 0.00001; TOPMed 0.00002.
gnomAD v4.1: 3 of 1,603,098 alleles (0.00019%); highest among the groups gnomAD compares: Non-Finnish European, 0.00026%; no homozygotes.

Submission:

Labcorp Genetics (formerly Invitae), Labcorp
Classification: Uncertain significance. Last evaluated: 2025-01-21. Review status: criteria provided, single submitter. Criteria: Invitae Variant Classification Sherloc (09022015). Collection method: clinical testing. Allele origin: germline.
Comment: This sequence change replaces glycine, which is neutral and non-polar, with arginine, which is basic and polar, at codon 211 of the POGLUT1 protein (p.Gly211Arg). This variant is not present in population databases (gnomAD no frequency). This variant has not been reported in the literature in individuals affected with POGLUT1-related conditions. ClinVar contains an entry for this variant (Variation ID: 2956183). Invitae Evidence Modeling of protein sequence and biophysical properties (such as structural, functional, and spatial information, amino acid conservation, physicochemical variation, residue mobility, and thermodynamic stability) indicates that this missense variant is expected to disrupt POGLUT1 protein function with a positive predictive value of 80%. In summary, the available evidence is currently insufficient to determine the role of this variant in disease. Therefore, it has been classified as a Variant of Uncertain Significance.

NM_152305.3(POGLUT1):c.631G>A (p.Gly211Arg)

Gene: POGLUT1 (protein O-glucosyltransferase 1; plus strand). Cytogenetic location: 3q13.33.
Variant type: single nucleotide variant.
Coding change: c.631G>A on transcript NM_152305.3 (MANE Select); coding-DNA position 631, G replaced by A.
Protein change: p.Gly211Arg; replaces glycine 211 with arginine.
Molecular consequence: missense variant. On other transcripts: non-coding transcript variant (1).
Genome position (GRCh38, 1-based): chr3:119,485,380, G>A. VCF-style: chr3-119485380-G-A. GRCh37 (hg19) VCF-style: chr3-119204227-G-A.
Other names: c.631G>A, p.Gly211Arg (NM_020231.3); short protein forms G211R.
Identifiers: ClinVar variation 2956183 (VCV002956183.3), dbSNP rs994319416, ClinGen allele CA81701224.